The following is an entry in ClinVar:

ClinVar aggregate classification (germline): Uncertain significance (1 of 4 stars; one submission).

Conditions:
Neuropathy, hereditary sensory and autonomic, type 1C. Also called: HSAN IC; HSN IC. Identifiers: Orphanet 36386, MedGen C3150896, MONDO:0013337, OMIM 613640.

gnomAD v4.1: 1 of 1,614,128 alleles (0.000062%); highest among the groups gnomAD compares: South Asian, 0.0011%; no homozygotes.

Submission:

Labcorp Genetics (formerly Invitae), Labcorp
Classification: Uncertain significance for Neuropathy, hereditary sensory and autonomic, type 1C. Last evaluated: 2021-07-01. Review status: criteria provided, single submitter. Criteria: Invitae Variant Classification Sherloc (09022015). Collection method: clinical testing. Allele origin: germline.
Comment: This sequence change replaces isoleucine with leucine at codon 130 of the SPTLC2 protein (p.Ile130Leu). The isoleucine residue is highly conserved and there is a small physicochemical difference between isoleucine and leucine. This variant is not present in population databases (ExAC no frequency). This variant has not been reported in the literature in individuals affected with SPTLC2-related conditions. Algorithms developed to predict the effect of missense changes on protein structure and function (SIFT, PolyPhen-2, Align-GVGD) all suggest that this variant is likely to be tolerated. Algorithms developed to predict the effect of sequence changes on RNA splicing suggest that this variant may create or strengthen a splice site. In summary, the available evidence is currently insufficient to determine the role of this variant in disease. Therefore, it has been classified as a Variant of Uncertain Significance.

NM_004863.4(SPTLC2):c.388A>T (p.Ile130Leu)

Gene: SPTLC2 (serine palmitoyltransferase long chain base subunit 2; minus strand). Cytogenetic location: 14q24.3.
Variant type: single nucleotide variant.
Coding change: c.388A>T on transcript NM_004863.4 (MANE Select); coding-DNA position 388, A replaced by T.
Protein change: p.Ile130Leu; replaces isoleucine 130 with leucine.
Molecular consequence: missense variant.
Genome position (GRCh38, 1-based): chr14:77,579,049, T>A on the plus strand (A>T on the coding strand, the complement: SPTLC2 is on the minus strand). VCF-style: chr14-77579049-T-A. GRCh37 (hg19) VCF-style: chr14-78045392-T-A.
Other names: short protein forms I130L.
Identifiers: ClinVar variation 1480635 (VCV001480635.8), dbSNP rs766618928, ClinGen allele CA390700949.
Genomic context (GRCh38, chr14:77,579,049, plus strand): 5'-CCATGATGTCCACCCTGGCTCCAGGCACACTACAGATTGGCCGATTCCAGTTGTCTCTTA[T>A]CCTCATGTACAGATTCCTTGTATAAAAGTTTTCAAAATCTTGATACAATGACACAAAGTC-3'
Protein context (NP_004854.1, residues 120-140): NFYTRNLYMR[Ile130Leu]RDNWNRPICS